The following is an entry in ClinVar:

NM_206933.4(USH2A):c.5367A>G (p.Leu1789=)

Genes: USH2A (usherin; minus strand), USH2A-AS2 (USH2A antisense RNA 2; plus strand). Cytogenetic location: 1q41.
Variant type: single nucleotide variant.
Coding change: c.5367A>G on transcript NM_206933.4 (MANE Select); coding-DNA position 5367, A replaced by G.
Protein change: p.Leu1789=; no amino-acid change (leucine 1789 retained).
Molecular consequence: synonymous variant.
Genome position (GRCh38, 1-based): chr1:216,078,294, T>C on the plus strand (A>G on the coding strand, the complement: USH2A is on the minus strand). VCF-style: chr1-216078294-T-C. GRCh37 (hg19) VCF-style: chr1-216251636-T-C.
Identifiers: ClinVar variation 48531 (VCV000048531.16), dbSNP rs138064171, ClinGen allele CA143514.

ClinVar aggregate classification (germline): Likely benign. Review status: criteria provided, multiple submitters, no conflicts (2 of 4 stars). 5 submissions from 4 submitters: Likely benign (5). Last evaluated 2026-01-13.

Conditions:
Retinitis pigmentosa 39 (RP39). Identifiers: Orphanet 791, MedGen C3151138, MONDO:0013436, OMIM 613809.
Usher syndrome type 2A. Also called: USHER SYNDROME, TYPE IIA; RETINAL DISEASE IN USHER SYNDROME TYPE IIA, MODIFIER OF. Identifiers: Orphanet 231178, Orphanet 886, MedGen C1848634, MONDO:0010169, OMIM 276901.

Allele frequency attached by ClinVar (database versions not stated): gnomAD 0.00009 and 0.00010; TOPMed 0.00012; gnomAD exomes 0.00021 and 0.00030; ExAC 0.00030; ESP Exome Variant Server 0.00046.
gnomAD v4.1: 460 of 1,613,686 alleles (0.029%); highest among the groups gnomAD compares: Non-Finnish European, 0.036%; no homozygotes.

Submissions (5):

Labcorp Genetics (formerly Invitae), Labcorp
Classification: Likely benign. Last evaluated: 2026-01-13. Review status: criteria provided, single submitter. Criteria: Invitae Variant Classification Sherloc (09022015). Collection method: clinical testing. Allele origin: germline.

Blueprint Genetics
Classification: Likely benign. Last evaluated: 2024-11-13. Review status: criteria provided, single submitter. Criteria: ACMG Guidelines, 2015. Collection method: clinical testing. Allele origin: germline.

Genome-Nilou Lab
Classification: Likely benign for Retinitis pigmentosa 39. Last evaluated: 2023-11-04. Review status: criteria provided, single submitter. Criteria: ACMG Guidelines, 2015. Collection method: clinical testing. Allele origin: germline. Affected: no.

Genome-Nilou Lab
Classification: Likely benign for Usher syndrome type 2A. Last evaluated: 2023-11-04. Review status: criteria provided, single submitter. Criteria: ACMG Guidelines, 2015. Collection method: clinical testing. Allele origin: germline. Affected: no.

Laboratory for Molecular Medicine, Mass General Brigham Personalized Medicine
Classification: Likely benign. Last evaluated: 2016-06-09. Review status: criteria provided, single submitter. Criteria: LMM Criteria. Collection method: clinical testing. Allele origin: germline. Observed: 2 variant alleles.
Comment: p.Leu1789Leu in exon 27 of USH2A: This variant is not expected to have clinical significance because it does not alter an amino acid residue, is not located wit hin the splice consensus sequence, has been identified in 35/66708 European chro mosomes by the Exome Aggregation Consortium (ExAC, g; dbSNP rs138064171) and is listed as benign in one publication (McGee 2010).

Literature cited by the submitters: PubMed 20507924 (cited by Laboratory for Molecular Medicine, Mass General Brigham Personalized Medicine).